The following is an entry in ClinVar:

ClinVar aggregate classification (germline): Pathogenic (1 of 4 stars; one submission).

Conditions:
Diamond-Blackfan anemia. Also called: Blackfan Diamond syndrome; Aregenerative anemia chronic congenital; Red cell aplasia, pure hereditary; Congenital hypoplastic anemia; Aase syndrome. Identifiers: Orphanet 124, MedGen C1260899, MeSH D029503, MONDO:0015253, HP:0004810.

Submission:

Labcorp Genetics (formerly Invitae), Labcorp
Classification: Pathogenic for Diamond-Blackfan anemia. Last evaluated: 2017-10-20. Review status: criteria provided, single submitter. Criteria: Invitae Variant Classification Sherloc (09022015). Collection method: clinical testing. Allele origin: germline.
Comment: For these reasons, this variant has been classified as Pathogenic. Loss-of-function variants in RPL5 are known to be pathogenic (PMID: 19773262, 19061985). This variant has not been reported in the literature in individuals with RPL5-related disease. This variant is a gross deletion of the genomic region encompassing exons 1-3 of the RPL5 gene, which includes the initiator codon. The 5' end of this event is unknown as it extends beyond the assayed region for this gene and therefore may encompass additional genes. The 3' boundary is likely confined to intron 3 of the RPL5 gene. This is expected to result in an absent or disrupted protein product.

Literature cited by the submitters: PubMed 19773262; PubMed 19061985.

NC_000001.11:g.(?_92832109)_(92833666_?)del

Genes: DIPK1A (divergent protein kinase domain 1A; minus strand), RPL5 (ribosomal protein L5; plus strand). Cytogenetic location: 1p22.1.
Variant type: Deletion.
Identifiers: ClinVar variation 532183 (VCV000532183.13).